The following is an entry in ClinVar:

ClinVar aggregate classification (germline): Uncertain significance. Review status: criteria provided, multiple submitters, no conflicts (2 of 4 stars). 2 submissions from 2 submitters: Uncertain significance (2). Last evaluated 2025-06-02.

Conditions:
Hereditary cancer-predisposing syndrome. Also called: Neoplastic Syndromes, Hereditary; Tumor predisposition; Hereditary Cancer Syndrome; Hereditary neoplastic syndrome. Identifiers: Orphanet 140162, MedGen C0027672, MeSH D009386, MONDO:0015356.
Neurofibromatosis, type 2 (SWNV). Also called: BILATERAL ACOUSTIC NEUROFIBROMATOSIS; SCHWANNOMATOSIS, VESTIBULAR; NF2-Related Schwannomatosis. Identifiers: Orphanet 637, MedGen C0027832, MONDO:0007039, OMIM 101000. Disease mechanism: loss of function.

Submissions (2):

Ambry Genetics
Classification: Uncertain significance for Hereditary cancer-predisposing syndrome. Last evaluated: 2025-06-02. Review status: criteria provided, single submitter. Criteria: Ambry Variant Classification Scheme 2023. Collection method: clinical testing. Allele origin: germline.
Comment: The c.241-3C>T intronic variant results from a C to T substitution 3 nucleotides upstream from coding exon 3 in the NF2 gene. This nucleotide position is well conserved in available vertebrate species. In silico splice site analysis predicts that this alteration will not have any significant effect on splicing. Based on the available evidence, the clinical significance of this variant remains unclear.

Labcorp Genetics (formerly Invitae), Labcorp
Classification: Uncertain significance for Neurofibromatosis, type 2. Last evaluated: 2024-03-20. Review status: criteria provided, single submitter. Criteria: Invitae Variant Classification Sherloc (09022015). Collection method: clinical testing. Allele origin: germline.
Comment: This sequence change falls in intron 2 of the NF2 gene. It does not directly change the encoded amino acid sequence of the NF2 protein. It affects a nucleotide within the consensus splice site. This variant is present in population databases (rs189470158, gnomAD no frequency). This variant has not been reported in the literature in individuals affected with NF2-related conditions. Variants that disrupt the consensus splice site are a relatively common cause of aberrant splicing (PMID: 17576681, 9536098). Algorithms developed to predict the effect of sequence changes on RNA splicing suggest that this variant is not likely to affect RNA splicing. In summary, the available evidence is currently insufficient to determine the role of this variant in disease. Therefore, it has been classified as a Variant of Uncertain Significance.

Literature cited by the submitters: PubMed 17576681 (cited by Labcorp Genetics (formerly Invitae), Labcorp); PubMed 9536098 (cited by Labcorp Genetics (formerly Invitae), Labcorp).

NM_000268.4(NF2):c.241-3C>T

Gene: NF2 (NF2, moesin-ezrin-radixin like (MERLIN) tumor suppressor; plus strand). Cytogenetic location: 22q12.2.
Variant type: single nucleotide variant.
Coding change: c.241-3C>T on transcript NM_000268.4 (MANE Select); 3 bases into the intron before coding-DNA position 241, C replaced by T.
Molecular consequence: intron variant.
Genome position (GRCh38, 1-based): chr22:29,639,087, C>T. VCF-style: chr22-29639087-C-T. GRCh37 (hg19) VCF-style: chr22-30035076-C-T.
Other names: c.115-3115C>T (NM_181830.3, NM_001407064.1, NM_181831.3 and 1 more transcripts); c.241-3C>T (NM_001407066.1, NM_181825.3, NM_000268.3 and 6 more transcripts); c.-400-3C>T (NM_001407065.1); c.240+2211C>T (NM_001407058.1, NM_181829.3, NM_001407054.1 and 1 more transcripts); c.115-3C>T (NM_181828.3, NM_001407055.1); c.127-3C>T (NM_001407056.1, NM_001407053.1); c.10-3C>T (NM_001407067.1).
Identifiers: ClinVar variation 3710971 (VCV003710971.3).
Genomic context (GRCh38, chr22:29,639,087, plus strand): 5'-TGAGGGTAGCACAGGAGGAAGTGCCAATATAGTGTGTTTGTCTTTTGCTCTGCAATTCTG[C>T]AGGTACTGGATCATGATGTTTCAAAGGAAGAACCAGTCACCTTTCACTTCTTGGCCAAAT-3'